The following is an entry in ClinVar:

NM_000059.4(BRCA2):c.9787A>G (p.Lys3263Glu)

Gene: BRCA2 (BRCA2 DNA repair associated; plus strand). Cytogenetic location: 13q13.1.
Variant type: single nucleotide variant.
Coding change: c.9787A>G on transcript NM_000059.4 (MANE Select); coding-DNA position 9787, A replaced by G.
Protein change: p.Lys3263Glu; replaces lysine 3263 with glutamic acid.
Molecular consequence: missense variant.
Genome position (GRCh38, 1-based): chr13:32,398,300, A>G. VCF-style: chr13-32398300-A-G. GRCh37 (hg19) VCF-style: chr13-32972437-A-G.
Other names: short protein forms K3263E.
Identifiers: ClinVar variation 858584 (VCV000858584.10), dbSNP rs2073051062, ClinGen allele CA387765972.

ClinVar aggregate classification (germline): Uncertain significance (1 of 4 stars; one submission).

Conditions:
Hereditary breast ovarian cancer syndrome. Also called: Breast and ovarian cancer; BRCA1- and BRCA2-Associated Hereditary Breast and Ovarian Cancer; Hereditary breast and ovarian cancer; Hereditary breast and ovarian cancer syndrome (HBOC); Hereditary breast and/or ovarian cancer syndrome; Hereditary breast and ovarian cancer syndrome. Identifiers: Orphanet 145, MedGen C0677776, MeSH D061325, MONDO:0003582. Disease mechanism: loss of function.

Submission:

Labcorp Genetics (formerly Invitae), Labcorp
Classification: Uncertain significance for Hereditary breast ovarian cancer syndrome. Last evaluated: 2019-11-20. Review status: criteria provided, single submitter. Criteria: Invitae Variant Classification Sherloc (09022015). Collection method: clinical testing. Allele origin: germline.
Comment: In summary, the available evidence is currently insufficient to determine the role of this variant in disease. Therefore, it has been classified as a Variant of Uncertain Significance. Algorithms developed to predict the effect of missense changes on protein structure and function are either unavailable or do not agree on the potential impact of this missense change (SIFT: "Tolerated"; PolyPhen-2: "Probably Damaging"; Align-GVGD: "Class C0"). This variant has not been reported in the literature in individuals with BRCA2-related conditions. This variant is not present in population databases (ExAC no frequency). This sequence change replaces lysine with glutamic acid at codon 3263 of the BRCA2 protein (p.Lys3263Glu). The lysine residue is moderately conserved and there is a small physicochemical difference between lysine and glutamic acid.